The following continues an entry in ClinVar:

NM_000142.5(FGFR3):c.1620C>G (p.Asn540Lys)

Gene: FGFR3. ClinVar aggregate classification (germline): Pathogenic. Pathogenic (26).

Submissions 26 to 35 of 35:

Juno Genomics, Hangzhou Juno Genomics, Inc
Classification: Pathogenic for Achondroplasia. Review status: criteria provided, single submitter. Criteria: ACMG Guidelines, 2015. Collection method: clinical testing. Allele origin: germline. Affected: yes.
Comment: Absent from controls (or at extremely low frequency if recessive) in Genome Aggregation Database, Exome Sequencing Project, 1000 Genomes Project, or Exome Aggregation Consortium.;The prevalence of the variant in affected individuals is significantly increased compared to the prevalence in controls.;Co-segregation with disease in multiple affected family members in a gene definitively known to cause the disease.;De novo (both maternity and paternity confirmed) in a patient with the disease and no family history.;Well-established in vitro or in vivo functional studies supportive of a damaging effect on the gene or gene product.;Same amino acid change as a previously established pathogenic variant regardless of nucleotide change.

Department of Pediatrics, Taizhou Central Hospital, Taizhou University Hospital
Classification: Pathogenic for Hypochondroplasia. Last evaluated: 2024-02-01. Review status: no assertion criteria provided. Collection method: clinical testing. Allele origin: de novo. Affected: yes. Observed: 1 variant allele. Not counted in ClinVar's aggregate classification.

Clinical Laboratory Sciences Program (CLSP), King Saud bin Abdulaziz University for Health Sciences (KSAU-HS)
Classification: Pathogenic for Hypochondroplasia. Last evaluated: 2023-04-01. Review status: no assertion criteria provided. Collection method: clinical testing. Allele origin: germline. Affected: yes. Not counted in ClinVar's aggregate classification.

Bioscientia Institut fuer Medizinische Diagnostik GmbH, Sonic Healthcare
Classification: Pathogenic for Hypochondroplasia. Last evaluated: 2017-09-18. Review status: no assertion criteria provided. Collection method: clinical testing. Allele origin: germline. Affected: yes. Not counted in ClinVar's aggregate classification.

Clinical Molecular Genetics Laboratory, Johns Hopkins All Children's Hospital
Classification: Pathogenic for Hypochondroplasia. Last evaluated: 2016-04-06. Review status: no assertion criteria provided. Collection method: clinical testing. Allele origin: germline. Affected: yes. Not counted in ClinVar's aggregate classification.

OMIM
Classification: Pathogenic for HYPOCHONDROPLASIA. Last evaluated: 1999-06-11. Review status: no assertion criteria provided. Collection method: literature only. Allele origin: germline. Not counted in ClinVar's aggregate classification.

Clinical Genetics DNA and cytogenetics Diagnostics Lab, Erasmus MC, Erasmus Medical Center
Classification: Pathogenic. Review status: no assertion criteria provided. Collection method: clinical testing. Allele origin: germline. Affected: yes. Study: VKGL Data-share Consensus. Not counted in ClinVar's aggregate classification.

GeneReviews
No classification provided. Condition: Hypochondroplasia. Review status: no classification provided. Collection method: literature only. Allele origin: germline. Not counted in ClinVar's aggregate classification.
Comment: Most common pathogenic variant in hypochondroplasia

Joint Genome Diagnostic Labs from Nijmegen and Maastricht, Radboudumc and MUMC+
Classification: Pathogenic. Review status: no assertion criteria provided. Collection method: clinical testing. Allele origin: germline. Affected: yes. Study: VKGL Data-share Consensus. Not counted in ClinVar's aggregate classification.

Laboratory of Diagnostic Genome Analysis, Leiden University Medical Center (LUMC)
Classification: Pathogenic. Review status: no assertion criteria provided. Collection method: clinical testing. Allele origin: germline. Affected: yes. Study: VKGL Data-share Consensus. Not counted in ClinVar's aggregate classification.

Literature cited by the submitters: PubMed 25614871 (cited by 5 submitters); PubMed 19088846 (cited by 3 submitters); PubMed 7670477 (cited by 3 submitters); PubMed 8589686 (cited by 6 submitters); PubMed 9452043 (cited by Labcorp Genetics (formerly Invitae), Labcorp and Ambry Genetics); PubMed 10360392 (cited by 3 submitters); PubMed 11055896 (cited by Labcorp Genetics (formerly Invitae), Labcorp); PubMed 11754059 (cited by Labcorp Genetics (formerly Invitae), Labcorp and Variantyx, Inc.); PubMed 23149434 (cited by 3 submitters); PubMed 23165795 (cited by Labcorp Genetics (formerly Invitae), Labcorp and Variantyx, Inc.); PubMed 10777366 (cited by 3billion and Ambry Genetics); PubMed 17621485 (cited by Variantyx, Inc.); PubMed 22045636 (cited by Variantyx, Inc. and Ambry Genetics); PubMed 29620724 (cited by Women's Health and Genetics/Laboratory Corporation of America, LabCorp); PubMed 35726512 (cited by Women's Health and Genetics/Laboratory Corporation of America, LabCorp); PubMed 24715719 (cited by Ambry Genetics); PubMed 12707965 (cited by Ambry Genetics); PubMed 9672519 (cited by Ambry Genetics); PubMed 16912704 (cited by Ambry Genetics); PubMed 18198189 (cited by Ambry Genetics); PubMed 10361991 (cited by OMIM); PubMed 10395236 (cited by OMIM); PubMed 10360393 (cited by OMIM); NCBI Bookshelf NBK1477 (cited by GeneReviews).